The following is an entry in ClinVar:

ClinVar aggregate classification (germline): Benign. Review status: criteria provided, multiple submitters, no conflicts (2 of 4 stars). 20 submissions from 14 submitters: Benign (18). 2 of the submissions do not count toward it. Last evaluated 2026-02-04.

Conditions:
Cardiovascular phenotype. Identifiers: MedGen CN230736.
Osteogenesis imperfecta, perinatal lethal (OI2). Also called: VROLIK TYPE OF OSTEOGENESIS IMPERFECTA; OSTEOGENESIS IMPERFECTA, TYPE II; Osteogenesis imperfecta type 2; Osteogenesis imperfecta, dominant perinatal lethal; OI, TYPE II; OSTEOGENESIS IMPERFECTA CONGENITA. Identifiers: Orphanet 216804, MedGen C0268358, MONDO:0008147, OMIM 166210.
Osteogenesis imperfecta type III (OI3). Also called: Progressively Deforming Osteogenesis Imperfecta; Osteogenesis imperfecta type 3; OI type 3; Osteogenesis imperfecta, progressively deforming with normal sclerae; OI type III. Identifiers: Orphanet 216812, Orphanet 666, MedGen C0268362, MONDO:0009804, OMIM 259420.
Osteogenesis imperfecta with normal sclerae, dominant form (OI4). Also called: Common Variable Osteogenesis Imperfecta with Normal Sclerae; Osteogenesis imperfecta type 4; OSTEOGENESIS IMPERFECTA, TYPE IV, WITH DENTINOGENESIS IMPERFECTA; OSTEOGENESIS IMPERFECTA WITH NORMAL SCLERAE; Osteogenesis Imperfecta Type IV. Identifiers: Orphanet 216820, Orphanet 666, MedGen C0268363, MONDO:0008148, OMIM 166220.
Osteogenesis imperfecta type I (OI1). Also called: Lobstein's Disease; Classic Non-deforming Osteogenesis Imperfecta with Blue Sclerae; Osteogenesis imperfecta type 1; Lobstein disease; OI, TYPE I; OSTEOGENESIS IMPERFECTA TARDA. Identifiers: Orphanet 216796, Orphanet 666, MedGen C0023931, MONDO:0008146, OMIM 166200. Disease mechanism: loss of function.
Combined osteogenesis imperfecta and Ehlers-Danlos syndrome 1. Also called: OIEDS SYNDROME 1. Identifiers: MedGen C5436842, MONDO:0030854, OMIM 619115.
Osteoporosis. Identifiers: MedGen C0029456, MONDO:0005298, OMIM 166710, HP:0000939.
Infantile cortical hyperostosis. Also called: P1PK BLOOD GROUP SYSTEM, P(2) PHENOTYPE; Caffey Disease; Hyperostosis, Cortical, Congenital. Identifiers: Orphanet 1310, MedGen C0020497, MONDO:0007244, OMIM 114000.
Ehlers-Danlos syndrome, arthrochalasia type. Also called: Ehlers-Danlos syndrome, arthrochalasis type; ARTHROCHALASIS MULTIPLEX CONGENITA; EDS VII, MUTANT PROCOLLAGEN TYPE; EDS VIIA; Ehlers-Danlos syndrome, arthrochalasia type, 1. Identifiers: Orphanet 1899, Orphanet 99875, Orphanet 99876, MedGen C4551623, MONDO:0007525, OMIM 130060.
Osteogenesis imperfecta (OI). Identifiers: Orphanet 666, MedGen C0029434, MeSH D010013, MONDO:0019019.

Allele frequency attached by ClinVar (database versions not stated): TOPMed 0.99943; 1000 Genomes Project 30x 0.99953; gnomAD 0.99956 and 0.99959; 1000 Genomes Project 0.99980; ExAC 0.99984; ESP Exome Variant Server 0.99985; gnomAD exomes 0.99989 and 0.99996.
gnomAD v4.1: 1,614,020 of 1,614,154 alleles (100%); highest among the groups gnomAD compares: Middle Eastern, 100%; 806,944 homozygotes.

Submissions (20):

Labcorp Genetics (formerly Invitae), Labcorp
Classification: Benign for Osteogenesis imperfecta type I. Last evaluated: 2026-02-04. Review status: criteria provided, single submitter. Criteria: Invitae Variant Classification Sherloc (09022015). Collection method: clinical testing. Allele origin: germline.

Women's Health and Genetics/Laboratory Corporation of America, LabCorp
Classification: Benign. Last evaluated: 2026-01-21. Review status: criteria provided, single submitter. Criteria: LabCorp Variant Classification Summary - May 2015. Collection method: clinical testing. Allele origin: germline.

Molecular Diagnostic Laboratory for Inherited Cardiovascular Disease, Montreal Heart Institute
Classification: Benign. Last evaluated: 2025-04-09. Review status: criteria provided, single submitter. Criteria: ACMG Guidelines, 2015. Collection method: clinical testing. Allele origin: germline. Affected: no.

Blueprint Genetics
Classification: Benign. Last evaluated: 2024-11-28. Review status: criteria provided, single submitter. Criteria: ACMG Guidelines, 2015. Collection method: clinical testing. Allele origin: germline.

Fulgent Genetics
Classification: Benign for Infantile cortical hyperostosis; Ehlers-Danlos syndrome, arthrochalasia type; Osteogenesis imperfecta type I; Osteogenesis imperfecta, perinatal lethal; Osteogenesis imperfecta with normal sclerae, dominant form; Osteoporosis; Osteogenesis imperfecta type III; Combined osteogenesis imperfecta and Ehlers-Danlos syndrome 1. Last evaluated: 2021-08-09. Review status: criteria provided, single submitter. Criteria: ACMG Guidelines, 2015. Collection method: clinical testing. Allele origin: unknown.

Genome-Nilou Lab
Classification: Benign for Ehlers-Danlos syndrome, arthrochalasia type. Last evaluated: 2021-07-22. Review status: criteria provided, single submitter. Criteria: ACMG Guidelines, 2015. Collection method: clinical testing. Allele origin: germline. Affected: no.

Genome-Nilou Lab
Classification: Benign for Osteogenesis imperfecta type I. Last evaluated: 2021-07-22. Review status: criteria provided, single submitter. Criteria: ACMG Guidelines, 2015. Collection method: clinical testing. Allele origin: germline. Affected: no.

Genome-Nilou Lab
Classification: Benign for Osteogenesis imperfecta, perinatal lethal. Last evaluated: 2021-07-22. Review status: criteria provided, single submitter. Criteria: ACMG Guidelines, 2015. Collection method: clinical testing. Allele origin: germline. Affected: no.

Genome-Nilou Lab
Classification: Benign for Osteogenesis imperfecta type III. Last evaluated: 2021-07-22. Review status: criteria provided, single submitter. Criteria: ACMG Guidelines, 2015. Collection method: clinical testing. Allele origin: germline. Affected: no.

Genome-Nilou Lab
Classification: Benign for Osteogenesis imperfecta with normal sclerae, dominant form. Last evaluated: 2021-07-22. Review status: criteria provided, single submitter. Criteria: ACMG Guidelines, 2015. Collection method: clinical testing. Allele origin: germline. Affected: no.

Mayo Clinic Laboratories, Mayo Clinic
Classification: Benign. Last evaluated: 2019-03-13. Review status: criteria provided, single submitter. Criteria: ACMG Guidelines, 2015. Collection method: clinical testing. Allele origin: germline. Observed: 4,454 variant alleles.

Ambry Genetics
Classification: Benign for Cardiovascular phenotype. Last evaluated: 2018-12-04. Review status: criteria provided, single submitter. Criteria: Ambry Variant Classification Scheme 2023. Collection method: clinical testing. Allele origin: germline.

Illumina Laboratory Services, Illumina
Classification: Benign for Osteogenesis imperfecta. Last evaluated: 2018-01-13. Review status: criteria provided, single submitter. Criteria: ICSL Variant Classification Criteria 13 December 2019. Collection method: clinical testing. Allele origin: germline.
Comment: This variant was observed in the ICSL laboratory as part of a predisposition screen in an ostensibly healthy population. It had not been previously curated by ICSL or reported in the Human Gene Mutation Database (HGMD: prior to June 1st, 2018), and was therefore a candidate for classification through an automated scoring system. Utilizing variant allele frequency, disease prevalence and penetrance estimates, and inheritance mode, an automated score was calculated to assess if this variant is too frequent to cause the disease. Based on the score and internal cut-off values, a variant classified as benign is not then subjected to further curation. The score for this variant resulted in a classification of benign for this disease.

Illumina Laboratory Services, Illumina
Classification: Benign for Ehlers-Danlos syndrome, arthrochalasia type. Last evaluated: 2018-01-13. Review status: criteria provided, single submitter. Criteria: ICSL Variant Classification Criteria 13 December 2019. Collection method: clinical testing. Allele origin: germline.
Comment: the same text as in the submission from Illumina Laboratory Services, Illumina above.

Illumina Laboratory Services, Illumina
Classification: Benign for Infantile cortical hyperostosis. Last evaluated: 2018-01-13. Review status: criteria provided, single submitter. Criteria: ICSL Variant Classification Criteria 13 December 2019. Collection method: clinical testing. Allele origin: germline.
Comment: the same text as in the submission from Illumina Laboratory Services, Illumina above.

GeneDx
Classification: Benign. Last evaluated: 2016-03-03. Review status: criteria provided, single submitter. Criteria: GeneDx Variant Classification (06012015). Collection method: clinical testing. Allele origin: germline. Affected: yes.
Comment: This variant is considered likely benign or benign based on one or more of the following criteria: it is a conservative change, it occurs at a poorly conserved position in the protein, it is predicted to be benign by multiple in silico algorithms, and/or has population frequency not consistent with disease.

Breakthrough Genomics
Classification: Benign. Review status: criteria provided, single submitter. Criteria: ACMG Guidelines, 2015. Collection method: not provided. Allele origin: germline. Inheritance: Autosomal dominant inheritance. Affected: yes.

PreventionGenetics, part of Exact Sciences
Classification: Benign. Review status: criteria provided, single submitter. Criteria: ACMG Guidelines, 2015. Collection method: clinical testing. Allele origin: germline.

Diagnostic Laboratory, Department of Genetics, University Medical Center Groningen
Classification: Benign. Review status: no assertion criteria provided. Collection method: clinical testing. Allele origin: germline. Affected: yes. Study: VKGL Data-share Consensus. Not counted in ClinVar's aggregate classification.

Genome Diagnostics Laboratory, Amsterdam University Medical Center
Classification: Benign. Review status: no assertion criteria provided. Collection method: clinical testing. Allele origin: germline. Affected: yes. Study: VKGL Data-share Consensus. Not counted in ClinVar's aggregate classification.

NM_000088.4(COL1A1):c.2298T>C (p.Thr766=)

Gene: COL1A1 (collagen type I alpha 1 chain; minus strand). Cytogenetic location: 17q21.33.
Variant type: single nucleotide variant.
Coding change: c.2298T>C on transcript NM_000088.4 (MANE Select); coding-DNA position 2298, T replaced by C.
Protein change: p.Thr766=; no amino-acid change (threonine 766 retained).
Molecular consequence: synonymous variant.
Genome position (GRCh38, 1-based): chr17:50,190,862, A>G on the plus strand (T>C on the coding strand, the complement: COL1A1 is on the minus strand). VCF-style: chr17-50190862-A-G. GRCh37 (hg19) VCF-style: chr17-48268223-A-G.
Other names: p.Thr766=.
Identifiers: ClinVar variation 254947 (VCV000254947.29), dbSNP rs2734272, ClinGen allele CA8644876.